The following is an entry in ClinVar:

ClinVar aggregate classification (germline): Conflicting classifications of pathogenicity. Review status: criteria provided, conflicting classifications (1 of 4 stars). 5 submissions from 5 submitters: Uncertain significance (1); Benign (2); Likely benign (2). Last evaluated 2026-02-01.

Conditions:
Mucopolysaccharidosis, MPS-III-C (MPS3C). Also called: MUCOPOLYSACCHARIDOSIS, TYPE IIIC; Mucopolysaccharidosis type IIIC (Sanfilippo C); MPS IIIC (Sanfilippo Syndrome Type C); SANFILIPPO SYNDROME C; mucopolysaccharidosis type 3C; MPS III C. Identifiers: Orphanet 581, Orphanet 79271, MedGen C0086649, MONDO:0009657, OMIM 252930.
Retinitis pigmentosa 73 (RP73). Identifiers: Orphanet 791, MedGen C4225287, MONDO:0014687, OMIM 616544.

Allele frequency attached by ClinVar (database versions not stated): 1000 Genomes Project 30x 0.00062; ESP Exome Variant Server 0.00107; 1000 Genomes Project 0.00040; gnomAD 0.00235 and 0.00245; gnomAD exomes 0.00263; ExAC 0.00261; TOPMed 0.00103.
gnomAD v4.1: 3,138 of 1,460,636 alleles (0.21%); highest among the groups gnomAD compares: Non-Finnish European, 0.19%; 8 homozygotes.

Submissions (5):

Labcorp Genetics (formerly Invitae), Labcorp
Classification: Benign for Retinitis pigmentosa 73; Mucopolysaccharidosis, MPS-III-C. Last evaluated: 2026-02-01. Review status: criteria provided, single submitter. Criteria: Invitae Variant Classification Sherloc (09022015). Collection method: clinical testing. Allele origin: germline.

Mayo Clinic Laboratories, Mayo Clinic
Classification: Benign. Last evaluated: 2024-12-19. Review status: criteria provided, single submitter. Criteria: ACMG Guidelines, 2015. Collection method: clinical testing. Allele origin: germline. Observed: 1 variant allele.
Comment: BA1, BP4, BP7

Blueprint Genetics
Classification: Likely benign. Last evaluated: 2024-10-16. Review status: criteria provided, single submitter. Criteria: ACMG Guidelines, 2015. Collection method: clinical testing. Allele origin: germline.

Illumina Laboratory Services, Illumina
Classification: Uncertain significance for Mucopolysaccharidosis, MPS-III-C. Last evaluated: 2018-01-13. Review status: criteria provided, single submitter. Criteria: ICSL Variant Classification Criteria 13 December 2019. Collection method: clinical testing. Allele origin: germline.

Center for Pediatric Genomic Medicine, Children's Mercy Hospital and Clinics
Classification: Likely benign. Last evaluated: 2017-06-02. Review status: criteria provided, single submitter. Criteria: ACMG Guidelines, 2015. Collection method: clinical testing. Allele origin: germline.

NM_152419.3(HGSNAT):c.234+14C>G

Gene: HGSNAT (heparan-alpha-glucosaminide N-acetyltransferase; plus strand). Cytogenetic location: 8p11.21.
Variant type: single nucleotide variant.
Coding change: c.234+14C>G on transcript NM_152419.3 (MANE Select); 14 bases into the intron after coding-DNA position 234, C replaced by G.
Molecular consequence: intron variant.
Genome position (GRCh38, 1-based): chr8:43,147,077, C>G. VCF-style: chr8-43147077-C-G. GRCh37 (hg19) VCF-style: chr8-43002220-C-G.
Other names: p.?; c.234+14C>G (NM_001363227.2, NM_001363228.2); c.-600+14C>G (NM_001363229.2).
Identifiers: ClinVar variation 363140 (VCV000363140.15), dbSNP rs146429523, ClinGen allele CA4736451.